The following is an entry in ClinVar:

NM_015141.4(GPD1L):c.959+11C>T

Gene: GPD1L (glycerol-3-phosphate dehydrogenase 1 like; plus strand). Cytogenetic location: 3p22.3.
Variant type: single nucleotide variant.
Coding change: c.959+11C>T on transcript NM_015141.4 (MANE Select); 11 bases into the intron after coding-DNA position 959, C replaced by T.
Molecular consequence: intron variant.
Genome position (GRCh38, 1-based): chr3:32,159,685, C>T. VCF-style: chr3-32159685-C-T. GRCh37 (hg19) VCF-style: chr3-32201177-C-T.
Identifiers: ClinVar variation 386094 (VCV000386094.6), dbSNP rs370985609, ClinGen allele CA2296791.

ClinVar aggregate classification (germline): Likely benign. Review status: criteria provided, multiple submitters, no conflicts (2 of 4 stars). 3 submissions from 3 submitters: Likely benign (3). Last evaluated 2025-12-03.

Conditions:
Brugada syndrome. Also called: Sudden unexplained nocturnal death syndrome; Sudden Unexplained Death Syndrome; Sudden Unexplained Nocturnal Death Syndrome (SUNDS); Sudden unexpected nocturnal death syndrome. Identifiers: Orphanet 130, MedGen C1142166, MONDO:0015263.
Brugada syndrome 2 (BRGDA2). Identifiers: Orphanet 130, MedGen C2673193, MONDO:0012728, OMIM 611777.

Allele frequency attached by ClinVar (database versions not stated): gnomAD exomes 0.00001 and 0.00002; ExAC 0.00004; gnomAD 0.00011; TOPMed 0.00013; ESP Exome Variant Server 0.00015.
gnomAD v4.1: 25 of 1,490,712 alleles (0.0017%); highest among the groups gnomAD compares: African/African-American, 0.03%; no homozygotes.

Submissions (3):

Labcorp Genetics (formerly Invitae), Labcorp
Classification: Likely benign for Brugada syndrome. Last evaluated: 2025-12-03. Review status: criteria provided, single submitter. Criteria: Invitae Variant Classification Sherloc (09022015). Collection method: clinical testing. Allele origin: germline.

Fulgent Genetics
Classification: Likely benign for Brugada syndrome 2. Last evaluated: 2021-08-11. Review status: criteria provided, single submitter. Criteria: ACMG Guidelines, 2015. Collection method: clinical testing. Allele origin: unknown.

GeneDx
Classification: Likely benign. Last evaluated: 2016-05-11. Review status: criteria provided, single submitter. Criteria: GeneDx Variant Classification (06012015). Collection method: clinical testing. Allele origin: germline. Affected: yes.
Comment: This variant is considered likely benign or benign based on one or more of the following criteria: it is a conservative change, it occurs at a poorly conserved position in the protein, it is predicted to be benign by multiple in silico algorithms, and/or has population frequency not consistent with disease.